The following is an entry in ClinVar:

NM_017946.4(FKBP14):c.32C>G (p.Thr11Ser)

Genes: FKBP14-AS1 (FKBP14 antisense RNA 1; plus strand), FKBP14 (FKBP prolyl isomerase 14; minus strand). Cytogenetic location: 7p14.3.
Variant type: single nucleotide variant.
Coding change: c.32C>G on transcript NM_017946.4 (MANE Select); coding-DNA position 32, C replaced by G.
Protein change: p.Thr11Ser; replaces threonine 11 with serine.
Molecular consequence: missense variant. On other transcripts: non-coding transcript variant (3).
Genome position (GRCh38, 1-based): chr7:30,026,477, G>C on the plus strand (C>G on the coding strand, the complement: FKBP14 is on the minus strand). VCF-style: chr7-30026477-G-C. GRCh37 (hg19) VCF-style: chr7-30066093-G-C.
Other names: short protein forms T11S.
Identifiers: ClinVar variation 4614170 (VCV004614170.2).
Genomic context (GRCh38, chr7:30,026,477, plus strand): 5'-ACTTCAATTTTCACTTCTGGTTCAGGGATCAAAGCCCCAATCAAAGAAGTGACGAACAGA[G>C]TCAAGACCGCGTTCCACAAGAAAAGCCTCATGTTGCTGAAGCAAGGAAAGAAGTCCCTAC-3'
Protein context (NP_060416.1, residues 1-21): MRLFLWNAVL[Thr11Ser]LFVTSLIGAL

ClinVar aggregate classification (germline): Uncertain significance. Review status: criteria provided, multiple submitters, no conflicts (2 of 4 stars). 2 submissions from 2 submitters: Uncertain significance (2). Last evaluated 2026-01-12.

Conditions:
Cardiovascular phenotype. Identifiers: MedGen CN230736.

gnomAD v4.1: 1 of 1,613,090 alleles (0.000062%); highest among the groups gnomAD compares: Admixed American, 0.0017%; no homozygotes.

Submissions (2):

Women's Health and Genetics/Laboratory Corporation of America, LabCorp
Classification: Uncertain significance. Last evaluated: 2026-01-12. Review status: criteria provided, single submitter. Criteria: LabCorp Variant Classification Summary - May 2015. Collection method: clinical testing. Allele origin: germline.
Comment: Variant summary: FKBP14 c.32C>G (p.Thr11Ser) results in a conservative amino acid change in the encoded protein sequence. Algorithms developed to predict the effect of missense changes on protein structure and function all suggest that this variant is likely to be tolerated. The variant allele was found at a frequency of 4e-06 in 250640 control chromosomes. The available data on variant occurrences in the general population are insufficient to allow any conclusion about variant significance. To our knowledge, no occurrence of c.32C>G in individuals affected with FKBP14-related conditions and no experimental evidence demonstrating its impact on protein function have been reported. No submitters have cited clinical-significance assessments for this variant to ClinVar. Based on the evidence outlined above, the variant was classified as uncertain significance.

Ambry Genetics
Classification: Uncertain significance for Cardiovascular phenotype. Last evaluated: 2025-09-18. Review status: criteria provided, single submitter. Criteria: Ambry Variant Classification Scheme 2023. Collection method: clinical testing. Allele origin: germline.
Comment: The p.T11S variant (also known as c.32C>G), located in coding exon 1 of the FKBP14 gene, results from a C to G substitution at nucleotide position 32. The threonine at codon 11 is replaced by serine, an amino acid with similar properties. This amino acid position is conserved. In addition, this alteration is predicted to be tolerated by in silico analysis. Based on the available evidence, the clinical significance of this variant remains unclear.